The following is an entry in ClinVar:

ClinVar aggregate classification (germline): not provided (0 of 4 stars; one submission).

Allele frequency attached by ClinVar (database versions not stated): gnomAD exomes below 0.00001 and 0.00002; ExAC 0.00001; gnomAD 0.00001.
gnomAD v4.1: 15 of 1,575,102 alleles (0.00095%); highest among the groups gnomAD compares: East Asian, 0.034%; no homozygotes.

Submission:

Department of Psychiatry, Nagoya University
No classification provided. Review status: no classification provided. Collection method: not provided. Allele origin: somatic.

NM_024605.4(ARHGAP10):c.822C>T (p.Val274=)

Gene: ARHGAP10 (Rho GTPase activating protein 10; plus strand). Cytogenetic location: 4q31.23.
Variant type: single nucleotide variant.
Coding change: c.822C>T on transcript NM_024605.4 (MANE Select); coding-DNA position 822, C replaced by T.
Protein change: p.Val274=; no amino-acid change (valine 274 retained).
Molecular consequence: synonymous variant.
Genome position (GRCh38, 1-based): chr4:147,875,140, C>T. VCF-style: chr4-147875140-C-T. GRCh37 (hg19) VCF-style: chr4-148796291-C-T.
Identifiers: ClinVar variation 120312 (VCV000120312.1), dbSNP rs483352830, ClinGen allele CA230652.